The following is an entry in ClinVar:

ClinVar aggregate classification (germline): Benign. Review status: criteria provided, single submitter (1 of 4 stars). 3 submissions from 1 submitter: Benign (3). Last evaluated 2018-01-12.

Conditions:
Polydactyly. Also called: polydactylism. Identifiers: MedGen C0152427, MONDO:0021003, OMIM 603596, HP:0010442.
Pallister-Hall syndrome (PHS). Also called: HYPOTHALAMIC HAMARTOBLASTOMA, HYPOPITUITARISM, IMPERFORATE ANUS, AND POSTAXIAL POLYDACTYLY; GLI3-Related Pallister-Hall Syndrome. Identifiers: Orphanet 672, MedGen C0265220, MONDO:0007804, OMIM 146510.
Greig cephalopolysyndactyly syndrome (GCPS). Also called: POLYSYNDACTYLY WITH PECULIAR SKULL SHAPE; Greig syndrome; GLI3-Related Greig Cephalopolysyndactyly Syndrome. Identifiers: Orphanet 380, MedGen C0265306, MONDO:0008287, OMIM 175700.

Allele frequency attached by ClinVar (database versions not stated): gnomAD 0.01271 and 0.01373; 1000 Genomes Project 0.01398; 1000 Genomes Project 30x 0.01437; TOPMed 0.01476.

Submissions (3):

Illumina Laboratory Services, Illumina
Classification: Benign for Polydactyly. Last evaluated: 2018-01-12. Review status: criteria provided, single submitter. Criteria: ICSL Variant Classification Criteria 13 December 2019. Collection method: clinical testing. Allele origin: germline.
Comment: This variant was observed in the ICSL laboratory as part of a predisposition screen in an ostensibly healthy population. It had not been previously curated by ICSL or reported in the Human Gene Mutation Database (HGMD: prior to June 1st, 2018), and was therefore a candidate for classification through an automated scoring system. Utilizing variant allele frequency, disease prevalence and penetrance estimates, and inheritance mode, an automated score was calculated to assess if this variant is too frequent to cause the disease. Based on the score and internal cut-off values, a variant classified as benign is not then subjected to further curation. The score for this variant resulted in a classification of benign for this disease.

Illumina Laboratory Services, Illumina
Classification: Benign for Pallister-Hall syndrome. Last evaluated: 2018-01-12. Review status: criteria provided, single submitter. Criteria: ICSL Variant Classification Criteria 13 December 2019. Collection method: clinical testing. Allele origin: germline.
Comment: the same text as in the submission from Illumina Laboratory Services, Illumina above.

Illumina Laboratory Services, Illumina
Classification: Benign for Greig cephalopolysyndactyly syndrome. Last evaluated: 2018-01-12. Review status: criteria provided, single submitter. Criteria: ICSL Variant Classification Criteria 13 December 2019. Collection method: clinical testing. Allele origin: germline.
Comment: the same text as in the submission from Illumina Laboratory Services, Illumina above.

NM_000168.6(GLI3):c.*1297G>A

Gene: GLI3 (GLI family zinc finger 3; minus strand). Cytogenetic location: 7p14.1.
Variant type: single nucleotide variant.
Coding change: c.*1297G>A on transcript NM_000168.6 (MANE Select); 1297 bases downstream of the stop codon, G replaced by A.
Molecular consequence: 3 prime UTR variant.
Genome position (GRCh38, 1-based): chr7:41,963,033, C>T on the plus strand (G>A on the coding strand, the complement: GLI3 is on the minus strand). VCF-style: chr7-41963033-C-T. GRCh37 (hg19) VCF-style: chr7-42002631-C-T.
Identifiers: ClinVar variation 360190 (VCV000360190.5), dbSNP rs116029585, ClinGen allele CA10629068.